The following is an entry in ClinVar:

ClinVar aggregate classification (germline): Pathogenic. Review status: criteria provided, multiple submitters, no conflicts (2 of 4 stars). 4 submissions from 4 submitters: Pathogenic (3). 1 of the submissions does not count toward it. Last evaluated 2023-01-31.

Conditions:
PERCHING syndrome (PERCHING). Also called: Cold-induced sweating syndrome 3. Identifiers: Orphanet 157820, Orphanet 603684, MedGen C4310742, MONDO:0014890, OMIM 617055.
Inborn genetic diseases. Identifiers: MedGen C0950123, MeSH D030342.

Allele frequency attached by ClinVar (database versions not stated): TOPMed below 0.00001; gnomAD 0.00001; gnomAD exomes 0.00001.
gnomAD v4.1: 6 of 1,613,862 alleles (0.00037%); highest among the groups gnomAD compares: African/African-American, 0.0013%; no homozygotes.

Submissions (4):

GeneDx
Classification: Pathogenic. Last evaluated: 2023-01-31. Review status: criteria provided, single submitter. Criteria: GeneDx Variant Classification Process June 2021. Collection method: clinical testing. Allele origin: germline. Affected: yes.
Comment: Nonsense variant predicted to result in protein truncation or nonsense mediated decay in a gene for which loss-of-function is a known mechanism of disease; This variant is associated with the following publications: (PMID: 31230720, 35699517)

Labcorp Genetics (formerly Invitae), Labcorp
Classification: Pathogenic. Last evaluated: 2022-02-08. Review status: criteria provided, single submitter. Criteria: Invitae Variant Classification Sherloc (09022015). Collection method: clinical testing. Allele origin: germline.
Comment: This variant is present in population databases (no rsID available, gnomAD 0.007%). For these reasons, this variant has been classified as Pathogenic. Algorithms developed to predict the effect of sequence changes on RNA splicing suggest that this variant may create or strengthen a splice site. ClinVar contains an entry for this variant (Variation ID: 816804). This variant has not been reported in the literature in individuals affected with KLHL7-related conditions. This sequence change creates a premature translational stop signal (p.Arg189*) in the KLHL7 gene. It is expected to result in an absent or disrupted protein product. Loss-of-function variants in KLHL7 are known to be pathogenic (PMID: 27392078, 29074562, 30426380, 31953236).

Ambry Genetics
Classification: Pathogenic for Inborn genetic diseases. Last evaluated: 2018-07-06. Review status: criteria provided, single submitter. Criteria: Ambry exome assertion method (8-5-2015). Collection method: clinical testing. Allele origin: germline. Affected: yes. Observed: 1 variant allele.

Lupski Lab, Baylor-Hopkins CMG, Baylor College of Medicine
Classification: Pathogenic for PERCHING syndrome. Review status: no assertion criteria provided. Collection method: research. Allele origin: inherited. Inheritance: Autosomal recessive inheritance. Affected: yes. Observed: 6 variant alleles, 4 heterozygotes, 2 homozygotes. Not counted in ClinVar's aggregate classification.

Literature cited by the submitters: PubMed 27392078 (cited by Labcorp Genetics (formerly Invitae), Labcorp); PubMed 29074562 (cited by Labcorp Genetics (formerly Invitae), Labcorp); PubMed 30426380 (cited by Labcorp Genetics (formerly Invitae), Labcorp); PubMed 31953236 (cited by Labcorp Genetics (formerly Invitae), Labcorp).

NM_001031710.3(KLHL7):c.565C>T (p.Arg189Ter)

Gene: KLHL7 (kelch like family member 7; plus strand). Cytogenetic location: 7p15.3.
Variant type: single nucleotide variant.
Coding change: c.565C>T on transcript NM_001031710.3 (MANE Select); coding-DNA position 565, C replaced by T.
Protein change: p.Arg189Ter; replaces arginine 189 with a stop codon.
Molecular consequence: nonsense. On other transcripts: non-coding transcript variant (1).
Genome position (GRCh38, 1-based): chr7:23,140,891, C>T. VCF-style: chr7-23140891-C-T. GRCh37 (hg19) VCF-style: chr7-23180510-C-T.
Other names: c.421C>T, p.Arg141Ter (NM_018846.5); short protein forms R141*, R189*.
Identifiers: ClinVar variation 816804 (VCV000816804.13), dbSNP rs943339467, ClinGen allele CA155232617.
Genomic context (GRCh38, chr7:23,140,891, plus strand): 5'-ATTCATCAGCACTTTACTGAAGTTTACAAAACTGATGAATTTCTTCAACTTGATGTCAAG[C>T]GAGTAACACATCTTCTCAACCAGGACACTCTGACTGTGAGAGCAGAGGATCAGGTGACTA-3'